The following is an entry in ClinVar:

ClinVar aggregate classification (germline): Conflicting classifications of pathogenicity. Review status: criteria provided, conflicting classifications (1 of 4 stars). 2 submissions from 2 submitters: Uncertain significance (1); Likely benign (1). Last evaluated 2025-05-01.

Conditions:
Hereditary breast ovarian cancer syndrome. Also called: BRCA1- and BRCA2-Associated Hereditary Breast and Ovarian Cancer; Hereditary breast and/or ovarian cancer syndrome; Hereditary breast and ovarian cancer syndrome; Hereditary breast and ovarian cancer; Breast and ovarian cancer; Hereditary breast and ovarian cancer syndrome (HBOC). Identifiers: Orphanet 145, MedGen C0677776, MeSH D061325, MONDO:0003582. Disease mechanism: loss of function.
Hereditary cancer-predisposing syndrome. Also called: Tumor predisposition; Hereditary neoplastic syndrome; Hereditary Cancer Syndrome; Neoplastic Syndromes, Hereditary. Identifiers: Orphanet 140162, MedGen C0027672, MeSH D009386, MONDO:0015356.

Submissions (2):

Labcorp Genetics (formerly Invitae), Labcorp
Classification: Uncertain significance for Hereditary breast ovarian cancer syndrome. Last evaluated: 2025-05-01. Review status: criteria provided, single submitter. Criteria: Invitae Variant Classification Sherloc (09022015). Collection method: clinical testing. Allele origin: germline.
Comment: This sequence change replaces serine, which is neutral and polar, with asparagine, which is neutral and polar, at codon 1951 of the BRCA2 protein (p.Ser1951Asn). This variant is not present in population databases (gnomAD no frequency). This missense change has been observed in individual(s) with a personal and/or family history of breast and ovarian cancer (PMID: 21120943). ClinVar contains an entry for this variant (Variation ID: 936165). Invitae Evidence Modeling of protein sequence and biophysical properties (such as structural, functional, and spatial information, amino acid conservation, physicochemical variation, residue mobility, and thermodynamic stability) indicates that this missense variant is not expected to disrupt BRCA2 protein function with a negative predictive value of 95%. In summary, the available evidence is currently insufficient to determine the role of this variant in disease. Therefore, it has been classified as a Variant of Uncertain Significance.

University of Washington Department of Laboratory Medicine, University of Washington
Classification: Likely benign for Hereditary cancer-predisposing syndrome. Last evaluated: 2023-03-23. Review status: criteria provided, single submitter. Criteria: Dines et al. (Genet Med. 2020). Collection method: curation. Allele origin: germline.
Comment: Missense variant in a coldspot region where missense variants are very unlikely to be pathogenic (PMID:31911673).

BRCA2 exon 11 coldspot. Reclassification based on statistical prior probability.

Literature cited by the submitters: PubMed 21120943 (cited by Labcorp Genetics (formerly Invitae), Labcorp).

NM_000059.4(BRCA2):c.5852G>A (p.Ser1951Asn)

Gene: BRCA2 (BRCA2 DNA repair associated; plus strand). Cytogenetic location: 13q13.1.
Variant type: single nucleotide variant.
Coding change: c.5852G>A on transcript NM_000059.4 (MANE Select); coding-DNA position 5852, G replaced by A.
Protein change: p.Ser1951Asn; replaces serine 1951 with asparagine.
Molecular consequence: missense variant.
Genome position (GRCh38, 1-based): chr13:32,340,207, G>A. VCF-style: chr13-32340207-G-A. GRCh37 (hg19) VCF-style: chr13-32914344-G-A.
Other names: short protein forms S1951N.
Identifiers: ClinVar variation 936165 (VCV000936165.11), dbSNP rs2072540017, ClinGen allele CA387787397.